The following is an entry in ClinVar:

ClinVar aggregate classification (germline): Benign. Review status: reviewed by expert panel (3 of 4 stars). 9 submissions from 9 submitters: Benign (1). 8 of the submissions do not count toward it. Last evaluated 2023-09-07.

Conditions:
Glanzmann thrombasthenia 1 (GT1). Also called: BLEEDING DISORDER, PLATELET-TYPE, 2; GP IIb-IIIa COMPLEX DEFICIENCY; GLYCOPROTEIN COMPLEX IIb-IIIa DEFICIENCY; PLATELET FIBRINOGEN RECEPTOR DEFICIENCY. Identifiers: MedGen CN300358, MONDO:0031332, OMIM 273800.
Glanzmann thrombasthenia. Also called: PLATELET GLYCOPROTEIN IIb-IIIa DEFICIENCY; THROMBASTHENIA OF GLANZMANN AND NAEGELI; Glanzmann's thrombasthenia; Thrombasthenia. Identifiers: Orphanet 849, MedGen C0040015, MONDO:0100326.

Allele frequency attached by ClinVar (database versions not stated): gnomAD 0.38740 and 0.38774; 1000 Genomes Project 30x 0.39694; 1000 Genomes Project 0.39736; ExAC 0.42545; ESP Exome Variant Server 0.37791; TOPMed 0.38011; gnomAD exomes 0.38599.
gnomAD v4.1: 589,346 of 1,559,216 alleles (38%); highest among the groups gnomAD compares: East Asian, 43%; 112,269 homozygotes.

Submissions (11):

ClinGen Platelet Disorders Variant Curation Expert Panel, ClinGen
Classification: Benign for Glanzmann thrombasthenia. Last evaluated: 2023-09-07. Review status: reviewed by expert panel. Criteria: ClinGen Platelet ACMG Specifications v2-1. Collection method: curation. Allele origin: germline. Inheritance: Autosomal recessive inheritance.
Comment: After a comprehensive literature search of the intronic variant NM_000419.5(ITGA2B):c.2188-7C>G, no individuals with Glanzmann Thrombasthenia were reported with the variant. The variant has a high minor allele frequency of 0.4311 (6420/14892 alleles) in the East Asian population, which is higher than the ClinGen PD VCEP threshold (>0.0024), and therefore meets benign criterion (BA1). In silico predictor spliceAI revealed that the intronic mutation is not expected to impact splicing and a PhyloP score of 0.287 shows that the nucleotide position is not highly conserved (BP4, BP7). In summary, this variant meets the criteria to be classified as Benign for autosomal recessive Glanzmann Thrombasthenia based on the ACMG/AMP criteria applied, as specified by the ClinGen PD VCEP: BA1, BP4 and BP7 (PD VCEP specifications version 2.1).

Labcorp Genetics (formerly Invitae), Labcorp
Classification: Benign for Glanzmann thrombasthenia. Last evaluated: 2026-02-04. Review status: criteria provided, single submitter. Criteria: Invitae Variant Classification Sherloc (09022015). Collection method: clinical testing. Allele origin: germline. Not counted in ClinVar's aggregate classification.

Blueprint Genetics
Classification: Likely benign. Last evaluated: 2024-11-28. Review status: criteria provided, single submitter. Criteria: ACMG Guidelines, 2015. Collection method: clinical testing. Allele origin: germline. Not counted in ClinVar's aggregate classification.

Mayo Clinic Laboratories, Mayo Clinic
Classification: Benign. Last evaluated: 2022-09-29. Review status: criteria provided, single submitter. Criteria: ACMG Guidelines, 2015. Collection method: clinical testing. Allele origin: germline. Observed: 340 variant alleles. Not counted in ClinVar's aggregate classification.

Genome-Nilou Lab
Classification: Benign for Glanzmann thrombasthenia 1. Last evaluated: 2021-08-19. Review status: criteria provided, single submitter. Criteria: ACMG Guidelines, 2015. Collection method: clinical testing. Allele origin: germline. Affected: no. Not counted in ClinVar's aggregate classification.

GeneDx
Classification: Benign. Last evaluated: 2018-11-12. Review status: criteria provided, single submitter. Criteria: GeneDx Variant Classification Process June 2021. Collection method: clinical testing. Allele origin: germline. Affected: yes. Not counted in ClinVar's aggregate classification.

Illumina Laboratory Services, Illumina
Classification: Benign for Glanzmann thrombasthenia 1. Last evaluated: 2018-01-12. Review status: criteria provided, single submitter. Criteria: ICSL Variant Classification Criteria 13 December 2019. Collection method: clinical testing. Allele origin: germline. Not counted in ClinVar's aggregate classification.
Comment: This variant was observed in the ICSL laboratory as part of a predisposition screen in an ostensibly healthy population. It had not been previously curated by ICSL or reported in the Human Gene Mutation Database (HGMD: prior to June 1st, 2018), and was therefore a candidate for classification through an automated scoring system. Utilizing variant allele frequency, disease prevalence and penetrance estimates, and inheritance mode, an automated score was calculated to assess if this variant is too frequent to cause the disease. Based on the score and internal cut-off values, a variant classified as benign is not then subjected to further curation. The score for this variant resulted in a classification of benign for this disease.

Breakthrough Genomics
Classification: Benign. Review status: criteria provided, single submitter. Criteria: ACMG Guidelines, 2015. Collection method: not provided. Allele origin: germline. Inheritance: Autosomal recessive inheritance. Affected: yes. Not counted in ClinVar's aggregate classification.

PreventionGenetics, part of Exact Sciences
Classification: Benign. Review status: criteria provided, single submitter. Criteria: ACMG Guidelines, 2015. Collection method: clinical testing. Allele origin: germline. Not counted in ClinVar's aggregate classification.

Dr. Peter K. Rogan Lab, Western University
No classification provided (evidence only). Condition: Familial cancer of breast. Review status: no classification provided. Collection method: in vitro. Allele origin: not applicable. Functional consequence: retained intron. Not counted in ClinVar's aggregate classification.

Dr. Peter K. Rogan Lab, Western University
No classification provided (evidence only). Condition: Familial cancer of breast. Review status: no classification provided. Collection method: in vitro. Allele origin: not applicable. Functional consequence: retained intron. Not counted in ClinVar's aggregate classification.

NM_000419.5(ITGA2B):c.2188-7C>G

Gene: ITGA2B (integrin subunit alpha 2b; minus strand). Cytogenetic location: 17q21.31.
Variant type: single nucleotide variant.
Coding change: c.2188-7C>G on transcript NM_000419.5 (MANE Select); 7 bases into the intron before coding-DNA position 2188, C replaced by G.
Molecular consequence: intron variant.
Genome position (GRCh38, 1-based): chr17:44,377,095, G>C on the plus strand (C>G on the coding strand, the complement: ITGA2B is on the minus strand). VCF-style: chr17-44377095-G-C. GRCh37 (hg19) VCF-style: chr17-42454463-G-C.
Other names: p.?; c.2188-7C>G (LRG_479t1).
Identifiers: ClinVar variation 256039 (VCV000256039.22), dbSNP rs850730, ClinGen allele CA8602787.